The following is an entry in ClinVar:

ClinVar aggregate classification (germline): Pathogenic (1 of 4 stars; one submission).

Conditions:
Primary ciliary dyskinesia. Also called: Ciliary dyskinesia. Identifiers: Orphanet 244, MedGen C0008780, MONDO:0016575, HP:0012265.

Submission:

Labcorp Genetics (formerly Invitae), Labcorp
Classification: Pathogenic for Primary ciliary dyskinesia. Last evaluated: 2023-07-19. Review status: criteria provided, single submitter. Criteria: Invitae Variant Classification Sherloc (09022015). Collection method: clinical testing. Allele origin: germline.
Comment: This sequence change creates a premature translational stop signal (p.Val814Argfs*11) in the RPGR (ORF15) gene. While this is not anticipated to result in nonsense mediated decay, it is expected to disrupt the last 339 amino acid(s) of the RPGR (ORF15) protein. This variant is not present in population databases (gnomAD no frequency). This variant has not been reported in the literature in individuals affected with RPGR (ORF15)-related conditions. This variant disrupts a region of the RPGR (ORF15) protein in which other variant(s) (p.Leu1130Lysfs*13) have been determined to be pathogenic (PMID: 22264887; Invitae). This suggests that this is a clinically significant region of the protein, and that variants that disrupt it are likely to be disease-causing. For these reasons, this variant has been classified as Pathogenic.

Literature cited by the submitters: PubMed 22264887.

NM_001034853.2(RPGR):c.2440_2468del (p.Val814fs)

Gene: RPGR (retinitis pigmentosa GTPase regulator; minus strand). Cytogenetic location: Xp11.4.
Variant type: Deletion.
Coding change: c.2440_2468del on transcript NM_001034853.2 (MANE Select); coding-DNA positions 2440 to 2468, 29 bases deleted (GTAGAGGGAGGGGAAGTAGAGGAGGGGAA).
Protein change: p.Val814fs; shifts the reading frame from valine 814.
Molecular consequence: frameshift variant. On other transcripts: intron variant (8).
Genome position (GRCh38, 1-based): chrX:38,286,531-38,286,559, TTCCCCTCCTCTACTTCCCCTCCCTCTAC deleted on the plus strand (GTAGAGGGAGGGGAAGTAGAGGAGGGGAA on the coding strand, the reverse complement: RPGR is on the minus strand); deleting any 29 consecutive bases within chrX:38,286,531-38,286,568 gives the same sequence; the c. name uses the placement nearest the transcript's 3' end. VCF-style (leftmost placement, unchanged base first): chrX-38286530-TTTCCCCTCCTCTACTTCCCCTCCCTCTAC-T. GRCh37 (hg19) VCF-style: chrX-38145783-TTTCCCCTCCTCTACTTCCCCTCCCTCTAC-T.
Other names: c.1569+4400_1569+4428del (NM_001367249.1, NM_001367250.1); c.1902+535_1902+563del (NM_001367245.1); c.1386+4400_1386+4428del (NM_001367251.1); c.1719+535_1719+563del (NM_001367246.1); c.1572+4400_1572+4428del (NM_001367247.1); c.1905+535_1905+563del (NM_000328.3); c.1602+4400_1602+4428del (NM_001367248.1); short protein forms V814fs.
Identifiers: ClinVar variation 2745166 (VCV002745166.3), dbSNP rs2519790697, ClinGen allele CA2697553048.
Genomic context (GRCh38, chrX:38,286,530, plus strand): 5'-TTCCCCCTCCCCTTCCTCCTCTTCCCCCTCACCCTCCTCCTCTTCCTCTTCCCTCTCTCC[TTTCCCCTCCTCTACTTCCCCTCCCTCTAC>T]TTCCCCTCCCTCCTCTTTTTCCTCCCCTCTCCCCTCTGTTTCCTCCTCTTCCCCCTCTCC-3'